The following is an entry in ClinVar:

NM_031475.3(ESPN):c.1813_1845del (p.Pro605_Pro615del)

Gene: ESPN (espin; plus strand). Cytogenetic location: 1p36.31.
Variant type: Deletion.
Coding change: c.1813_1845del on transcript NM_031475.3 (MANE Select); coding-DNA positions 1813 to 1845, 33 bases deleted.
Protein change: p.Pro605_Pro615del.
Molecular consequence: inframe deletion.
Genome position (GRCh38, 1-based): chr1:6,448,989-6,449,021, 33 bases deleted; deleting any 33 consecutive bases within chr1:6,448,983-6,449,021 gives the same sequence; the c. name uses the placement nearest the transcript's 3' end. GRCh37 (hg19): chr1:6,509,049-6,509,081.
Other names: c.1723_1755del, p.Pro575_Pro585del (NM_001367473.1, NM_001367474.1).
Identifiers: ClinVar variation 1365718 (VCV001365718.5), dbSNP rs1643900279, ClinGen allele CA998187267.

ClinVar aggregate classification (germline): Uncertain significance (1 of 4 stars; one submission).

Submission:

Labcorp Genetics (formerly Invitae), Labcorp
Classification: Uncertain significance. Last evaluated: 2022-03-10. Review status: criteria provided, single submitter. Criteria: Invitae Variant Classification Sherloc (09022015). Collection method: clinical testing. Allele origin: germline.
Comment: This variant, c.1813_1845del, results in the deletion of 11 amino acid(s) of the ESPN protein (p.Pro605_Pro615del), but otherwise preserves the integrity of the reading frame. This variant is not present in population databases (gnomAD no frequency). This variant has not been reported in the literature in individuals affected with ESPN-related conditions. Experimental studies and prediction algorithms are not available or were not evaluated, and the functional significance of this variant is currently unknown. In summary, the available evidence is currently insufficient to determine the role of this variant in disease. Therefore, it has been classified as a Variant of Uncertain Significance.